The following is an entry in ClinVar:

NM_018946.4(NANS):c.133-5del

Genes: NANS (N-acetylneuraminate synthase; plus strand), TRIM14 (tripartite motif containing 14; minus strand). Cytogenetic location: 9q22.33.
Variant type: Deletion.
Coding change: c.133-5del on transcript NM_018946.4 (MANE Select); 5 bases into the intron before coding-DNA position 133, one base deleted (T; older notation c.133-5delT).
Molecular consequence: intron variant.
Genome position (GRCh38, 1-based): chr9:98,060,777, T deleted; the last of 2 consecutive T bases (chr9:98,060,776-98,060,777); deleting either gives the same sequence. VCF-style (leftmost placement, unchanged base first): chr9-98060775-GT-G. GRCh37 (hg19) VCF-style: chr9-100823057-GT-G.
Identifiers: ClinVar variation 1968748 (VCV001968748.6), dbSNP rs764577626, ClinGen allele CA5150193.

ClinVar aggregate classification (germline): Conflicting classifications of pathogenicity. Review status: criteria provided, conflicting classifications (1 of 4 stars). 2 submissions from 2 submitters: Uncertain significance (1); Likely benign (1). Last evaluated 2025-11-10.

Conditions:
Spondyloepimetaphyseal dysplasia, Genevieve type. Also called: NANS DEFICIENCY; SEMD Genevieve type. Identifiers: Orphanet 168454, MedGen C1864872, MONDO:0012495, OMIM 610442.

Submissions (2):

Labcorp Genetics (formerly Invitae), Labcorp
Classification: Likely benign. Last evaluated: 2025-11-10. Review status: criteria provided, single submitter. Criteria: Invitae Variant Classification Sherloc (09022015). Collection method: clinical testing. Allele origin: germline.

Laboratorio de Genetica e Diagnostico Molecular, Hospital Israelita Albert Einstein
Classification: Uncertain significance for Spondyloepimetaphyseal dysplasia, Genevieve type. Last evaluated: 2023-05-16. Review status: criteria provided, single submitter. Criteria: ACMG Guidelines, 2015. Collection method: clinical testing. Allele origin: germline. Affected: yes.
Comment: ACMG classification criteria: PM2 moderate